The following is an entry in ClinVar:

ClinVar aggregate classification (germline): Likely benign (0 of 4 stars; one submission).

Conditions:
NTN1-related disorder. Also called: NTN1-related condition.

Allele frequency attached by ClinVar (database versions not stated): gnomAD exomes below 0.00001.
gnomAD v4.1: 5 of 1,613,730 alleles (0.00031%); highest among the groups gnomAD compares: Admixed American, 0.005%; no homozygotes.

Submission:

PreventionGenetics, part of Exact Sciences
Classification: Likely benign for NTN1-related condition. Last evaluated: 2023-09-25. Review status: no assertion criteria provided. Collection method: clinical testing. Allele origin: germline.
Comment: This variant is classified as likely benign based on ACMG/AMP sequence variant interpretation guidelines (Richards et al. 2015 PMID: 25741868, with internal and published modifications).

NM_004822.3(NTN1):c.1650G>A (p.Lys550=)

Gene: NTN1 (netrin 1; plus strand). Cytogenetic location: 17p13.1.
Variant type: single nucleotide variant.
Coding change: c.1650G>A on transcript NM_004822.3 (MANE Select); coding-DNA position 1650, G replaced by A.
Protein change: p.Lys550=; no amino-acid change (lysine 550 retained).
Molecular consequence: synonymous variant.
Genome position (GRCh38, 1-based): chr17:9,239,803, G>A. VCF-style: chr17-9239803-G-A. GRCh37 (hg19) VCF-style: chr17-9143120-G-A.
Identifiers: ClinVar variation 3043331 (VCV003043331.2), dbSNP rs1269896992, ClinGen allele CA497983637.